The following is an entry in ClinVar:

ClinVar aggregate classification (germline): Uncertain significance. Review status: criteria provided, multiple submitters, no conflicts (2 of 4 stars). 3 submissions from 3 submitters: Uncertain significance (3). Last evaluated 2025-03-04.

Conditions:
Renal cell carcinoma. Identifiers: Orphanet 217071, MedGen C0007134, MeSH D002292, MONDO:0005086, HP:0005584.
Hereditary cancer-predisposing syndrome. Also called: Neoplastic Syndromes, Hereditary; Hereditary neoplastic syndrome; Tumor predisposition; Hereditary Cancer Syndrome. Identifiers: Orphanet 140162, MedGen C0027672, MeSH D009386, MONDO:0015356.

Allele frequency attached by ClinVar (database versions not stated): gnomAD exomes below 0.00001.
gnomAD v4.1: 1 of 1,613,812 alleles (0.000062%); highest among the groups gnomAD compares: African/African-American, 0.0013%; no homozygotes.

Submissions (3):

Center for Genomic Medicine, Rigshospitalet, Copenhagen University Hospital
Classification: Uncertain significance. Last evaluated: 2025-03-04. Review status: criteria provided, single submitter. Criteria: ACMG Guidelines, 2015. Collection method: clinical testing. Allele origin: germline.

Ambry Genetics
Classification: Uncertain significance for Hereditary cancer-predisposing syndrome. Last evaluated: 2024-09-03. Review status: criteria provided, single submitter. Criteria: Ambry Variant Classification Scheme 2023. Collection method: clinical testing. Allele origin: germline.
Comment: The p.K898E variant (also known as c.2692A>G), located in coding exon 11 of the MET gene, results from an A to G substitution at nucleotide position 2692. The lysine at codon 898 is replaced by glutamic acid, an amino acid with similar properties. This amino acid position is conserved. In addition, this alteration is predicted to be tolerated by in silico analysis. Based on the available evidence, the clinical significance of this variant remains unclear.

Labcorp Genetics (formerly Invitae), Labcorp
Classification: Uncertain significance for Renal cell carcinoma. Last evaluated: 2024-03-28. Review status: criteria provided, single submitter. Criteria: Invitae Variant Classification Sherloc (09022015). Collection method: clinical testing. Allele origin: germline.
Comment: This sequence change replaces lysine, which is basic and polar, with glutamic acid, which is acidic and polar, at codon 898 of the MET protein (p.Lys898Glu). This variant is not present in population databases (gnomAD no frequency). This variant has not been reported in the literature in individuals affected with MET-related conditions. ClinVar contains an entry for this variant (Variation ID: 1394053). Advanced modeling of protein sequence and biophysical properties (such as structural, functional, and spatial information, amino acid conservation, physicochemical variation, residue mobility, and thermodynamic stability) performed at Invitae indicates that this missense variant is not expected to disrupt MET protein function with a negative predictive value of 80%. In summary, the available evidence is currently insufficient to determine the role of this variant in disease. Therefore, it has been classified as a Variant of Uncertain Significance.

NM_000245.4(MET):c.2638A>G (p.Lys880Glu)

Gene: MET (MET proto-oncogene, receptor tyrosine kinase; plus strand). Cytogenetic location: 7q31.2.
Variant type: single nucleotide variant.
Coding change: c.2638A>G on transcript NM_000245.4 (MANE Select); coding-DNA position 2638, A replaced by G.
Protein change: p.Lys880Glu; replaces lysine 880 with glutamic acid.
Molecular consequence: missense variant.
Genome position (GRCh38, 1-based): chr7:116,769,699, A>G. VCF-style: chr7-116769699-A-G. GRCh37 (hg19) VCF-style: chr7-116409753-A-G.
Other names: c.2692A>G, p.Lys898Glu (NM_001127500.3); c.2638A>G, p.Lys880Glu (NM_001324401.3); c.1348A>G, p.Lys450Glu (NM_001324402.2); c.2692A>G (NM_001127500.1); short protein forms K898E, K450E, K880E.
Identifiers: ClinVar variation 1394053 (VCV001394053.11), dbSNP rs2116983288, ClinGen allele CA368985480.